The following is an entry in ClinVar:

NM_000062.3(SERPING1):c.744dup (p.Arg249fs)

Gene: SERPING1 (serpin family G member 1; plus strand). Cytogenetic location: 11q12.1.
Variant type: Duplication.
Coding change: c.744dup on transcript NM_000062.3 (MANE Select); coding-DNA position 744, one base duplicated (C; older notation c.744dupC).
Protein change: p.Arg249fs; shifts the reading frame from arginine 249.
Molecular consequence: frameshift variant.
Genome position (GRCh38, 1-based): chr11:57,606,068, C duplicated; the last of 4 consecutive C bases (chr11:57,606,065-57,606,068); duplicating any one gives the same sequence. VCF-style (leftmost placement, unchanged base first): chr11-57606064-G-GC. GRCh37 (hg19) VCF-style: chr11-57373537-G-GC.
Other names: c.744dup, p.Arg249fs (NM_001032295.2); c.744dupC (NM_000062.3); short protein forms R249fs.
Identifiers: ClinVar variation 3336808 (VCV003336808.2).

ClinVar aggregate classification (germline): Pathogenic (1 of 4 stars; one submission).

Conditions:
Hereditary angioedema type 1 (HAE1). Identifiers: Orphanet 100050, Orphanet 100051, Orphanet 91378, MedGen C2717906, MONDO:0015053, OMIM 106100.

Submission:

DNA-diagnostics Laboratory, Research Centre For Medical Genetics
Classification: Pathogenic for Hereditary angioedema type 1. Last evaluated: 2024-08-11. Review status: criteria provided, single submitter. Criteria: ACMG Guidelines, 2015. Collection method: research. Allele origin: germline. Inheritance: Autosomal dominant inheritance. Affected: yes. Observed: 3 variant alleles, 3 heterozygotes. Clinical features observed: Angioedema (HP:0100665), C1 esterase inhibitor deficiency.
Comment: The pathogenic or likely pathogenic SERPING1 gene variants are detected in >90% of the HAE1/2 families and in >80% of the total HAE families (e.g., DOI: 10.1016/j.molimm.2008.05.007, 10.1159/2F000138883, 10.1016/j.molimm.2011.07.010). In summary, the c.744dupC variant in SERPING1 meets ACMG/ClinGen SVI guidance criteria to be classified as pathogenic: PVS1, PP4_Str, PM2_Sup, PP1